The following is an entry in ClinVar:

NM_033419.5(PGAP3):c.807C>G (p.Leu269=)

Gene: PGAP3 (post-GPI attachment to proteins phospholipase 3; minus strand). Cytogenetic location: 17q12.
Variant type: single nucleotide variant.
Coding change: c.807C>G on transcript NM_033419.5 (MANE Select); coding-DNA position 807, C replaced by G.
Protein change: p.Leu269=; no amino-acid change (leucine 269 retained).
Molecular consequence: synonymous variant. On other transcripts: intron variant (3).
Genome position (GRCh38, 1-based): chr17:39,673,143, G>C on the plus strand (C>G on the coding strand, the complement: PGAP3 is on the minus strand). VCF-style: chr17-39673143-G-C. GRCh37 (hg19) VCF-style: chr17-37829396-G-C.
Other names: c.654C>G, p.Leu218= (NM_001291726.2); c.744C>G, p.Leu248= (NM_001291728.2); c.433-277C>G (NM_001291733.2); c.495-277C>G (NM_001291732.2); c.558-277C>G (NM_001291730.2).
Identifiers: ClinVar variation 779020 (VCV000779020.17), dbSNP rs192919731, ClinGen allele CA8533233.

ClinVar aggregate classification (germline): Benign/Likely benign. Review status: criteria provided, multiple submitters, no conflicts (2 of 4 stars). 4 submissions from 4 submitters: Benign (2); Likely benign (1). 1 of the submissions does not count toward it. Last evaluated 2026-09-01.

Conditions:
PGAP3-related disorder. Also called: PGAP3-related condition.

Allele frequency attached by ClinVar (database versions not stated): TOPMed 0.00076; gnomAD 0.00089; 1000 Genomes Project 30x 0.00375; 1000 Genomes Project 0.00379.
gnomAD v4.1: 663 of 1,602,552 alleles (0.041%); highest among the groups gnomAD compares: Admixed American, 0.74%; 4 homozygotes.

Submissions (4):

CeGaT Center for Human Genetics Tuebingen
Classification: Likely benign. Last evaluated: 2026-09-01. Review status: criteria provided, single submitter. Criteria: CeGaT Center For Human Genetics Tuebingen Variant Classification Criteria Version 2. Collection method: clinical testing. Allele origin: germline. Affected: yes. Observed: 7 variant alleles.
Comment: PGAP3: BP4, BP7

Labcorp Genetics (formerly Invitae), Labcorp
Classification: Benign. Last evaluated: 2026-02-03. Review status: criteria provided, single submitter. Criteria: Invitae Variant Classification Sherloc (09022015). Collection method: clinical testing. Allele origin: germline.

Breakthrough Genomics
Classification: Benign. Review status: criteria provided, single submitter. Criteria: ACMG Guidelines, 2015. Collection method: not provided. Allele origin: germline. Inheritance: Autosomal recessive inheritance. Affected: yes.

PreventionGenetics, part of Exact Sciences
Classification: Likely benign for PGAP3-related condition. Last evaluated: 2020-01-22. Review status: no assertion criteria provided. Collection method: clinical testing. Allele origin: germline. Not counted in ClinVar's aggregate classification.
Comment: This variant is classified as likely benign based on ACMG/AMP sequence variant interpretation guidelines (Richards et al. 2015 PMID: 25741868, with internal and published modifications).